The following is an entry in ClinVar:

ClinVar aggregate classification (germline): Uncertain significance. Review status: criteria provided, multiple submitters, no conflicts (2 of 4 stars). 2 submissions from 2 submitters: Uncertain significance (2). Last evaluated 2026-01-20.

Allele frequency attached by ClinVar (database versions not stated): gnomAD exomes below 0.00001; gnomAD 0.00002; TOPMed 0.00005.
gnomAD v4.1: 12 of 1,614,034 alleles (0.00074%); highest among the groups gnomAD compares: Admixed American, 0.005%; no homozygotes.

Submissions (2):

Labcorp Genetics (formerly Invitae), Labcorp
Classification: Uncertain significance. Last evaluated: 2026-01-20. Review status: criteria provided, single submitter. Criteria: Invitae Variant Classification Sherloc (09022015). Collection method: clinical testing. Allele origin: germline.
Comment: This sequence change replaces glycine, which is neutral and non-polar, with glutamic acid, which is acidic and polar, at codon 40 of the SLC7A14 protein (p.Gly40Glu). This variant is present in population databases (no rsID available, gnomAD 0.003%). This variant has not been reported in the literature in individuals affected with SLC7A14-related conditions. ClinVar contains an entry for this variant (Variation ID: 959359). An algorithm developed to predict the effect of missense changes on protein structure and function (PolyPhen-2) suggests that this variant is likely to be tolerated. In summary, the available evidence is currently insufficient to determine the role of this variant in disease. Therefore, it has been classified as a Variant of Uncertain Significance.

Ambry Genetics
Classification: Uncertain significance. Last evaluated: 2025-12-16. Review status: criteria provided, single submitter. Criteria: Ambry Variant Classification Scheme 2023. Collection method: clinical testing. Allele origin: germline.

NM_020949.3(SLC7A14):c.119G>A (p.Gly40Glu)

Genes: SLC7A14 (solute carrier family 7 member 14; minus strand), SLC7A14-AS1 (SLC7A14 antisense RNA 1; plus strand). Cytogenetic location: 3q26.2.
Variant type: single nucleotide variant.
Coding change: c.119G>A on transcript NM_020949.3 (MANE Select); coding-DNA position 119, G replaced by A.
Protein change: p.Gly40Glu; replaces glycine 40 with glutamic acid.
Molecular consequence: missense variant.
Genome position (GRCh38, 1-based): chr3:170,526,818, C>T on the plus strand (G>A on the coding strand, the complement: SLC7A14 is on the minus strand). VCF-style: chr3-170526818-C-T. GRCh37 (hg19) VCF-style: chr3-170244607-C-T.
Other names: short protein forms G40E.
Identifiers: ClinVar variation 959359 (VCV000959359.9), dbSNP rs1448560103, ClinGen allele CA355520186.